The following is an entry in ClinVar:

ClinVar aggregate classification (germline): Uncertain significance. Review status: criteria provided, multiple submitters, no conflicts (2 of 4 stars). 2 submissions from 2 submitters: Uncertain significance (2). Last evaluated 2025-08-14.

Conditions:
Inborn genetic diseases. Identifiers: MedGen C0950123, MeSH D030342.

Allele frequency attached by ClinVar (database versions not stated): gnomAD 0.00004; TOPMed 0.00009; ESP Exome Variant Server 0.00015; 1000 Genomes Project 30x 0.00031; 1000 Genomes Project 0.00040.
gnomAD v4.1: 32 of 1,604,014 alleles (0.002%); highest among the groups gnomAD compares: African/African-American, 0.031%; no homozygotes.

Submissions (2):

Ambry Genetics
Classification: Uncertain significance for Inborn genetic diseases. Last evaluated: 2025-08-14. Review status: criteria provided, single submitter. Criteria: Ambry Variant Classification Scheme 2023. Collection method: clinical testing. Allele origin: germline.

Labcorp Genetics (formerly Invitae), Labcorp
Classification: Uncertain significance. Last evaluated: 2022-07-05. Review status: criteria provided, single submitter. Criteria: Invitae Variant Classification Sherloc (09022015). Collection method: clinical testing. Allele origin: germline.
Comment: Algorithms developed to predict the effect of missense changes on protein structure and function output the following: SIFT: "Tolerated"; PolyPhen-2: "Benign"; Align-GVGD: "Class C0". The leucine amino acid residue is found in multiple mammalian species, which suggests that this missense change does not adversely affect protein function. In summary, the available evidence is currently insufficient to determine the role of this variant in disease. Therefore, it has been classified as a Variant of Uncertain Significance. ClinVar contains an entry for this variant (Variation ID: 1431718). This sequence change replaces serine, which is neutral and polar, with leucine, which is neutral and non-polar, at codon 568 of the POP1 protein (p.Ser568Leu). This variant is present in population databases (rs183619990, gnomAD 0.04%). This variant has not been reported in the literature in individuals affected with POP1-related conditions.

NM_001145860.2(POP1):c.1703C>T (p.Ser568Leu)

Gene: POP1 (POP1 ribonuclease P/MRP subunit; plus strand). Cytogenetic location: 8q22.2.
Variant type: single nucleotide variant.
Coding change: c.1703C>T on transcript NM_001145860.2 (MANE Select); coding-DNA position 1703, C replaced by T.
Protein change: p.Ser568Leu; replaces serine 568 with leucine.
Molecular consequence: missense variant.
Genome position (GRCh38, 1-based): chr8:98,146,676, C>T. VCF-style: chr8-98146676-C-T. GRCh37 (hg19) VCF-style: chr8-99158904-C-T.
Other names: c.1703C>T, p.Ser568Leu (NM_001145861.2, NM_015029.3); c.1703C>T (NM_015029.2); short protein forms S568L.
Identifiers: ClinVar variation 1431718 (VCV001431718.8), dbSNP rs183619990, ClinGen allele CA4820667.
Genomic context (GRCh38, chr8:98,146,676, plus strand): 5'-GTACGCATAGCTTTATCTGGAACCAAGATATCTGTAAGAGTGTCACAGAGAATAAAATCT[C>T]GGATCAGGTAACTAATAGTGTAAGGGTTATTGGTAAAGTCATGAATGACAGGTTAAATAT-3'
Protein context (NP_001139332.1, residues 558-578): ICKSVTENKI[Ser568Leu]DQDLNRMRSE